The following is an entry in ClinVar:

ClinVar aggregate classification (germline): Uncertain significance. Review status: criteria provided, multiple submitters, no conflicts (2 of 4 stars). 7 submissions from 7 submitters: Uncertain significance (6). 1 of the submissions does not count toward it. Last evaluated 2026-07-01.

Conditions:
CFTR-related disorder (CFTR-RD). Also called: CFTR-related disorders; CFTR-related condition. Identifiers: MedGen C5924204, MONDO:7770004.
Cystic fibrosis (CF). Also called: MUCOVISCIDOSIS. Identifiers: Orphanet 586, MedGen C0010674, MONDO:0009061, OMIM 219700. Disease mechanism: loss of function.

Allele frequency attached by ClinVar (database versions not stated): gnomAD below 0.00001 and 0.00001; gnomAD exomes 0.00003; ExAC 0.00005.

Submissions (7):

PreventionGenetics, part of Exact Sciences
Classification: Uncertain significance for CFTR-related condition. Last evaluated: 2026-07-01. Review status: criteria provided, single submitter. Criteria: ACMG Guidelines, 2015. Collection method: clinical testing. Allele origin: germline.
Comment: The CFTR c.4061T>C variant is predicted to result in the amino acid substitution p.Met1354Thr. To our knowledge, this variant has not been reported in the literature. This variant is reported in 0.023% of alleles in individuals of South Asian descent in gnomAD. At this time, the clinical significance of this variant is uncertain due to the absence of conclusive functional and genetic evidence.

Ambry Genetics
Classification: Uncertain significance for Cystic fibrosis. Last evaluated: 2025-08-27. Review status: criteria provided, single submitter. Criteria: Ambry Variant Classification Scheme 2023. Collection method: clinical testing. Allele origin: germline.
Comment: The p.M1354T variant (also known as c.4061T>C), located in coding exon 25 of the CFTR gene, results from a T to C substitution at nucleotide position 4061. The methionine at codon 1354 is replaced by threonine, an amino acid with similar properties. This amino acid position is not well conserved in available vertebrate species. In addition, the in silico prediction for this alteration is inconclusive. Based on the available evidence, the clinical significance of this variant remains unclear.

Neuberg Centre For Genomic Medicine, NCGM
Classification: Uncertain significance for Cystic fibrosis. Last evaluated: 2023-05-20. Review status: criteria provided, single submitter. Criteria: ACMG Guidelines, 2015. Collection method: clinical testing. Allele origin: germline. Inheritance: Autosomal recessive inheritance. Affected: yes.
Comment: The missense c.4061T>C (p.Met1354Thr) variant in the CFTR gene has not been reported previously as a pathogenic variant nor as a benign variant, to our knowledge. This variant is reported with the allele frequency (0.002%) in the gnomAD Exome. This variant has been reported to the ClinVar database as Uncertain Significance. However, no details are available for independent assessment. The amino acid Methionine at position 1354 is changed to a Threonine changing protein sequence and it might alter its composition and physico-chemical properties. Multiple lines of computational evidence (Polyphen - Probably damaging, SIFT – Damaging and MutationTaster - Disease causing predict a damaging effect on protein structure and function for this variant. The amino acid change p.Met1354Thr in CFTR is predicted as conserved by GERP++ and PhyloP across 100 vertebrates. For these reasons, this variant has been classified as Uncertain Significance.

Genome-Nilou Lab
Classification: Uncertain significance for Cystic fibrosis. Last evaluated: 2021-09-05. Review status: criteria provided, single submitter. Criteria: ACMG Guidelines, 2015. Collection method: clinical testing. Allele origin: germline. Affected: no.

Labcorp Genetics (formerly Invitae), Labcorp
Classification: Uncertain significance for Cystic fibrosis. Last evaluated: 2021-08-31. Review status: criteria provided, single submitter. Criteria: Invitae Variant Classification Sherloc (09022015). Collection method: clinical testing. Allele origin: germline.
Comment: This sequence change replaces methionine with threonine at codon 1354 of the CFTR protein (p.Met1354Thr). The methionine residue is moderately conserved and there is a moderate physicochemical difference between methionine and threonine. This variant is present in population databases (rs755993775, ExAC 0.04%). This variant has not been reported in the literature in individuals affected with CFTR-related conditions. ClinVar contains an entry for this variant (Variation ID: 495942). Algorithms developed to predict the effect of missense changes on protein structure and function are either unavailable or do not agree on the potential impact of this missense change (SIFT: "Deleterious"; PolyPhen-2: "Benign"; Align-GVGD: "Class C15"). In summary, the available evidence is currently insufficient to determine the role of this variant in disease. Therefore, it has been classified as a Variant of Uncertain Significance.

Women's Health and Genetics/Laboratory Corporation of America, LabCorp
Classification: Uncertain significance. Last evaluated: 2016-05-05. Review status: criteria provided, single submitter. Criteria: LabCorp Variant Classification Summary - May 2015. Collection method: clinical testing. Allele origin: germline.
Comment: Variant summary: The c.4061T>C variant affects a conserved nucleotide, resulting in amino acid change from Met to Thr. 4/5 in-silico tools predict this variant to be damaging. This variant is found in 6/121354 control chromosomes at a frequency of 0.0000494, which does not exceed maximal expected frequency of a pathogenic allele (0.0129603). The variant of interest has not, to our knowledge, been reported in affected individuals via publications and/or reputable databases/clinical laboratories; nor evaluated for functional impact by in vivo/vitro studies. Because of the absence of clinical information and the lack of functional studies, the variant was classified as a variant of uncertain significance (VUS) until additional information becomes available.

Natera, Inc.
Classification: Uncertain significance for CFTR-related disorders. Last evaluated: 2017-10-16. Review status: no assertion criteria provided. Collection method: clinical testing. Allele origin: germline. Not counted in ClinVar's aggregate classification.

NM_000492.4(CFTR):c.4061T>C (p.Met1354Thr)

Gene: CFTR (CF transmembrane conductance regulator; plus strand). Cytogenetic location: 7q31.2.
Variant type: single nucleotide variant.
Coding change: c.4061T>C on transcript NM_000492.4 (MANE Select); coding-DNA position 4061, T replaced by C.
Protein change: p.Met1354Thr; replaces methionine 1354 with threonine.
Molecular consequence: missense variant.
Genome position (GRCh38, 1-based): chr7:117,664,785, T>C. VCF-style: chr7-117664785-T-C. GRCh37 (hg19) VCF-style: chr7-117304839-T-C.
Other names: short protein forms M1354T.
Identifiers: ClinVar variation 495942 (VCV000495942.11), dbSNP rs755993775, ClinGen allele CA4451618.
Genomic context (GRCh38, chr7:117,664,785, plus strand): 5'-AGCTTGACTTTGTCCTTGTGGATGGGGGCTGTGTCCTAAGCCATGGCCACAAGCAGTTGA[T>C]GTGCTTGGCTAGATCTGTTCTCAGTAAGGCGAAGATCTTGCTGCTTGATGAACCCAGTGC-3'
Protein context (NP_000483.3, residues 1344-1364): CVLSHGHKQL[Met1354Thr]CLARSVLSKA